The following is an entry in ClinVar:

ClinVar aggregate classification (germline): Benign (1 of 4 stars; one submission).

Conditions:
Seizures, benign familial neonatal, 2. Also called: CONVULSIONS, BENIGN FAMILIAL NEONATAL, 2; KCNQ3-Related Self-Limited Familial Neonatal Epilepsy (SLFNE); Benign Neonatal Epilepsy 2; KCNQ3-Related Benign Familial Neonatal Epilepsy; Seizures, benign neonatal, 2. Identifiers: Orphanet 1949, MedGen C1852581, MONDO:0007366, OMIM 121201.

Allele frequency attached by ClinVar (database versions not stated): gnomAD 0.00009 and 0.00007; 1000 Genomes Project 0.03754.

Submission:

Illumina Laboratory Services, Illumina
Classification: Benign for Seizures, benign familial neonatal, 2. Last evaluated: 2018-01-13. Review status: criteria provided, single submitter. Criteria: ICSL Variant Classification Criteria 13 December 2019. Collection method: clinical testing. Allele origin: germline.
Comment: This variant was observed in the ICSL laboratory as part of a predisposition screen in an ostensibly healthy population. It had not been previously curated by ICSL or reported in the Human Gene Mutation Database (HGMD: prior to June 1st, 2018), and was therefore a candidate for classification through an automated scoring system. Utilizing variant allele frequency, disease prevalence and penetrance estimates, and inheritance mode, an automated score was calculated to assess if this variant is too frequent to cause the disease. Based on the score and internal cut-off values, a variant classified as benign is not then subjected to further curation. The score for this variant resulted in a classification of benign for this disease.

NM_004519.4(KCNQ3):c.*4982A>T

Gene: KCNQ3 (potassium voltage-gated channel subfamily Q member 3; minus strand). Cytogenetic location: 8q24.22.
Variant type: single nucleotide variant.
Coding change: c.*4982A>T on transcript NM_004519.4 (MANE Select); 4982 bases downstream of the stop codon, A replaced by T.
Molecular consequence: 3 prime UTR variant.
Genome position (GRCh38, 1-based): chr8:132,124,280, T>A on the plus strand (A>T on the coding strand, the complement: KCNQ3 is on the minus strand). VCF-style: chr8-132124280-T-A. GRCh37 (hg19) VCF-style: chr8-133136527-T-A.
Other names: c.*4982A>T (NM_001204824.2).
Identifiers: ClinVar variation 361798 (VCV000361798.6), dbSNP rs545252668, ClinGen allele CA10630161.